The following is an entry in ClinVar:

ClinVar aggregate classification (germline): Pathogenic. Review status: criteria provided, multiple submitters, no conflicts (2 of 4 stars). 3 submissions from 3 submitters: Pathogenic (3). Last evaluated 2026-07-16.

Conditions:
Hereditary cancer-predisposing syndrome. Also called: Hereditary Cancer Syndrome; Tumor predisposition; Hereditary neoplastic syndrome; Neoplastic Syndromes, Hereditary. Identifiers: Orphanet 140162, MedGen C0027672, MeSH D009386, MONDO:0015356.
Gorlin syndrome. Also called: Nevoid Basal Cell Carcinoma Syndrome; Basal cell nevus syndrome. Identifiers: Orphanet 377, MedGen C0004779, MONDO:0007187.

Submissions (3):

Ambry Genetics
Classification: Pathogenic for Hereditary cancer-predisposing syndrome. Last evaluated: 2026-07-16. Review status: criteria provided, single submitter. Criteria: Ambry Variant Classification Scheme 2023. Collection method: clinical testing. Allele origin: germline.
Comment: The c.254_255delGA alteration, located in exon 2 (coding exon 2) of the PTCH1 gene, consists of a deletion of 2 nucleotides from position 254 to 255, causing a translational frameshift with a predicted alternate stop codon after amino acids. This variant is expected to result in loss of function by premature protein truncation or nonsense-mediated mRNA decay. This variant was not reported in population-based cohorts in the Genome Aggregation Database (gnomAD). This variant was reported in individual(s) with features consistent with PTCH1-related nevoid basal cell carcinoma syndrome (Marsh, 2005; Ambry internal data). Based on the available evidence, this alteration is classified as pathogenic.

Labcorp Genetics (formerly Invitae), Labcorp
Classification: Pathogenic for Gorlin syndrome. Last evaluated: 2025-01-02. Review status: criteria provided, single submitter. Criteria: Invitae Variant Classification Sherloc (09022015). Collection method: clinical testing. Allele origin: germline.
Comment: This sequence change creates a premature translational stop signal (p.Arg85Thrfs*4) in the PTCH1 gene. It is expected to result in an absent or disrupted protein product. Loss-of-function variants in PTCH1 are known to be pathogenic (PMID: 16301862, 16419085). This variant is not present in population databases (gnomAD no frequency). This premature translational stop signal has been observed in individual(s) with nevoid basal cell carcinoma syndrome (PMID: 16088933). For these reasons, this variant has been classified as Pathogenic.

Duke University Health System Sequencing Clinic, Duke University Health System
Classification: Pathogenic for Basal cell nevus syndrome 1. Last evaluated: 2023-04-20. Review status: criteria provided, single submitter. Criteria: ACMG Guidelines, 2015. Collection method: research. Allele origin: de novo. Affected: yes.

Literature cited by the submitters: PubMed 16088933 (cited by Ambry Genetics and Labcorp Genetics (formerly Invitae), Labcorp); PubMed 16301862 (cited by Labcorp Genetics (formerly Invitae), Labcorp); PubMed 16419085 (cited by Labcorp Genetics (formerly Invitae), Labcorp).

NM_000264.5(PTCH1):c.254_255del (p.Arg85fs)

Gene: PTCH1 (patched 1; minus strand). Cytogenetic location: 9q22.32.
Variant type: Microsatellite.
Coding change: c.254_255del on transcript NM_000264.5 (MANE Select); coding-DNA positions 254 to 255, 2 bases deleted (GA; older notation c.254_255delGA).
Protein change: p.Arg85fs; shifts the reading frame from arginine 85.
Molecular consequence: frameshift variant. On other transcripts: 5 prime UTR variant (4), non-coding transcript variant (1).
Genome position (GRCh38, 1-based): chr9:95,506,546-95,506,547, TC deleted on the plus strand (GA on the coding strand, the reverse complement: PTCH1 is on the minus strand); deleting any 2 consecutive bases within chr9:95,506,546-95,506,550 gives the same sequence; the c. name uses the placement nearest the transcript's 3' end. VCF-style (leftmost placement, unchanged base first): chr9-95506545-GTC-G. GRCh37 (hg19) VCF-style: chr9-98268827-GTC-G.
Other names: c.56_57del, p.Arg19fs (NM_001083602.3, NM_001354919.2); c.251_252del, p.Arg84fs (NM_001083603.3); c.-202GA[1] (NM_001083604.3, NM_001083605.3, NM_001083606.3 and 1 more transcripts); c.254_255del, p.Arg85fs (NM_001354918.2); short protein forms R19fs, R84fs, R85fs.
Identifiers: ClinVar variation 524519 (VCV000524519.12), dbSNP rs1554708771, ClinGen allele CA658797249.